The following is an entry in ClinVar:

ClinVar aggregate classification (germline): Pathogenic (1 of 4 stars; one submission).

Conditions:
Primary ciliary dyskinesia. Also called: Ciliary dyskinesia. Identifiers: Orphanet 244, MedGen C0008780, MONDO:0016575, HP:0012265.

Submission:

Labcorp Genetics (formerly Invitae), Labcorp
Classification: Pathogenic for Primary ciliary dyskinesia. Last evaluated: 2022-08-06. Review status: criteria provided, single submitter. Criteria: Invitae Variant Classification Sherloc (09022015). Collection method: clinical testing. Allele origin: germline.
Comment: For these reasons, this variant has been classified as Pathogenic. This variant has not been reported in the literature in individuals affected with DNAI1-related conditions. This variant is not present in population databases (gnomAD no frequency). This sequence change creates a premature translational stop signal (p.Lys15*) in the DNAI1 gene. It is expected to result in an absent or disrupted protein product. Loss-of-function variants in DNAI1 are known to be pathogenic (PMID: 16858015, 29363216).

Literature cited by the submitters: PubMed 16858015; PubMed 29363216.

NM_012144.4(DNAI1):c.43A>T (p.Lys15Ter)

Gene: DNAI1 (dynein axonemal intermediate chain 1; plus strand). Cytogenetic location: 9p13.3.
Variant type: single nucleotide variant.
Coding change: c.43A>T on transcript NM_012144.4 (MANE Select); coding-DNA position 43, A replaced by T.
Protein change: p.Lys15Ter; replaces lysine 15 with a stop codon.
Molecular consequence: nonsense.
Genome position (GRCh38, 1-based): chr9:34,459,048, A>T. VCF-style: chr9-34459048-A-T. GRCh37 (hg19) VCF-style: chr9-34459046-A-T.
Other names: c.43A>T, p.Lys15Ter (NM_001281428.2); short protein forms K15*.
Identifiers: ClinVar variation 2022304 (VCV002022304.4), dbSNP rs2491983663, ClinGen allele CA373247895.